The following is an entry in ClinVar:

ClinVar aggregate classification (germline): Pathogenic (1 of 4 stars; one submission).

Conditions:
Imerslund-Grasbeck syndrome type 1 (IGS1). Also called: MEGALOBLASTIC ANEMIA, 1; Megaloblastic anemia 1, Finnish type; Imerslund-Gräsbeck syndrome 1. Identifiers: MedGen C4016819, MONDO:0100156, OMIM 261100.

Submission:

MVZ Medizinische Genetik Mainz
Classification: Pathogenic for Imerslund-Grasbeck syndrome type 1. Last evaluated: 2024-08-16. Review status: criteria provided, single submitter. Criteria: UK Practice Guidelines For Variant Classification V4 01 2020. Collection method: clinical testing. Allele origin: germline. Inheritance: Autosomal recessive inheritance. Affected: yes. Observed: 1 variant allele.
Comment: ACMG Criteria: PVS1,PM2_SUP,PM3_SUP,PP4

NM_001081.4(CUBN):c.9286_9287del (p.Leu3096fs)

Gene: CUBN (cubilin; minus strand). Cytogenetic location: 10p13.
Variant type: Deletion.
Coding change: c.9286_9287del on transcript NM_001081.4 (MANE Select); coding-DNA positions 9286 to 9287, 2 bases deleted (CT; older notation c.9286_9287delCT).
Protein change: p.Leu3096fs; shifts the reading frame from leucine 3096.
Molecular consequence: frameshift variant.
Genome position (GRCh38, 1-based): chr10:16,869,803-16,869,804, AG deleted on the plus strand (CT on the coding strand, the reverse complement: CUBN is on the minus strand). VCF-style (leftmost placement, unchanged base first): chr10-16869802-CAG-C. GRCh37 (hg19) VCF-style: chr10-16911801-CAG-C.
Other names: short protein forms L3096fs.
Identifiers: ClinVar variation 3338368 (VCV003338368.1).